The following is an entry in ClinVar:

ClinVar aggregate classification (germline): Uncertain significance (1 of 4 stars; one submission).

Conditions:
Autosomal recessive limb-girdle muscular dystrophy type R18 (LGMDR18). Also called: MUSCULAR DYSTROPHY, LIMB-GIRDLE, AUTOSOMAL RECESSIVE 18; Autosomal recessive limb-girdle muscular dystrophy type 2S; Limb-girdle muscular dystrophy, type 2S. Identifiers: Orphanet 369840, MedGen C4517996, MONDO:0014144, OMIM 615356.

Submission:

Labcorp Genetics (formerly Invitae), Labcorp
Classification: Uncertain significance for Autosomal recessive limb-girdle muscular dystrophy type R18. Last evaluated: 2024-01-08. Review status: criteria provided, single submitter. Criteria: Invitae Variant Classification Sherloc (09022015). Collection method: clinical testing. Allele origin: germline.
Comment: This sequence change replaces glutamine, which is neutral and polar, with arginine, which is basic and polar, at codon 777 of the TRAPPC11 protein (p.Gln777Arg). This variant is not present in population databases (gnomAD no frequency). This variant has not been reported in the literature in individuals affected with TRAPPC11-related conditions. ClinVar contains an entry for this variant (Variation ID: 2072312). Advanced modeling of protein sequence and biophysical properties (such as structural, functional, and spatial information, amino acid conservation, physicochemical variation, residue mobility, and thermodynamic stability) performed at Invitae indicates that this missense variant is not expected to disrupt TRAPPC11 protein function with a negative predictive value of 80%. In summary, the available evidence is currently insufficient to determine the role of this variant in disease. Therefore, it has been classified as a Variant of Uncertain Significance.

NM_021942.6(TRAPPC11):c.2330A>G (p.Gln777Arg)

Genes: TRAPPC11 (trafficking protein particle complex subunit 11; plus strand), LOC126807238 (BRD4-independent group 4 enhancer GRCh37_chr4:184614366-184615565; plus strand). Cytogenetic location: 4q35.1.
Variant type: single nucleotide variant.
Coding change: c.2330A>G on transcript NM_021942.6 (MANE Select); coding-DNA position 2330, A replaced by G.
Protein change: p.Gln777Arg; replaces glutamine 777 with arginine.
Molecular consequence: missense variant.
Genome position (GRCh38, 1-based): chr4:183,693,681, A>G. VCF-style: chr4-183693681-A-G. GRCh37 (hg19) VCF-style: chr4-184614834-A-G.
Other names: c.2330A>G, p.Gln777Arg (NM_199053.3); short protein forms Q777R.
Identifiers: ClinVar variation 2072312 (VCV002072312.4), dbSNP rs758105113, ClinGen allele CA358871448.
Genomic context (GRCh38, chr4:183,693,681, plus strand): 5'-ATCTGCTACATGAACCCCCTGCACTGACTAATGAAATGTATTGTTTGGTTGTGACTGTTC[A>G]GTCCCATGAAAAGACCCAAATCAGAGATGTGAAGCTCACCGCTGGCTTAAAACCAGGTAA-3'
Protein context (NP_068761.4, residues 767-787): NEMYCLVVTV[Gln777Arg]SHEKTQIRDV